The following is an entry in ClinVar:

NM_005559.4(LAMA1):c.6122C>T (p.Ala2041Val)

Gene: LAMA1 (laminin subunit alpha 1; minus strand). Cytogenetic location: 18p11.31.
Variant type: single nucleotide variant.
Coding change: c.6122C>T on transcript NM_005559.4 (MANE Select); coding-DNA position 6122, C replaced by T.
Protein change: p.Ala2041Val; replaces alanine 2041 with valine.
Molecular consequence: missense variant.
Genome position (GRCh38, 1-based): chr18:6,978,264, G>A on the plus strand (C>T on the coding strand, the complement: LAMA1 is on the minus strand). VCF-style: chr18-6978264-G-A. GRCh37 (hg19) VCF-style: chr18-6978263-G-A.
Other names: short protein forms A2041V.
Identifiers: ClinVar variation 2188684 (VCV002188684.2), dbSNP rs778084183, ClinGen allele CA8881352.

ClinVar aggregate classification (germline): Uncertain significance (1 of 4 stars; one submission).

Allele frequency attached by ClinVar (database versions not stated): ExAC 0.00001; gnomAD exomes 0.00001; TOPMed 0.00002; gnomAD 0.00003.
gnomAD v4.1: 12 of 1,614,098 alleles (0.00074%); highest among the groups gnomAD compares: Admixed American, 0.02%; no homozygotes.

Submission:

Labcorp Genetics (formerly Invitae), Labcorp
Classification: Uncertain significance. Last evaluated: 2022-07-25. Review status: criteria provided, single submitter. Criteria: Invitae Variant Classification Sherloc (09022015). Collection method: clinical testing. Allele origin: germline.
Comment: This variant has not been reported in the literature in individuals affected with LAMA1-related conditions. This variant is present in population databases (rs778084183, gnomAD 0.02%). This sequence change replaces alanine, which is neutral and non-polar, with valine, which is neutral and non-polar, at codon 2041 of the LAMA1 protein (p.Ala2041Val). Algorithms developed to predict the effect of missense changes on protein structure and function (SIFT, PolyPhen-2, Align-GVGD) all suggest that this variant is likely to be tolerated. In summary, the available evidence is currently insufficient to determine the role of this variant in disease. Therefore, it has been classified as a Variant of Uncertain Significance.